The following is an entry in ClinVar:

NM_017780.4(CHD7):c.7250G>A (p.Arg2417Lys)

Gene: CHD7 (chromodomain helicase DNA binding protein 7; plus strand). Cytogenetic location: 8q12.2.
Variant type: single nucleotide variant.
Coding change: c.7250G>A on transcript NM_017780.4 (MANE Select); coding-DNA position 7250, G replaced by A.
Protein change: p.Arg2417Lys; replaces arginine 2417 with lysine.
Molecular consequence: missense variant. On other transcripts: intron variant (1).
Genome position (GRCh38, 1-based): chr8:60,856,530, G>A. VCF-style: chr8-60856530-G-A. GRCh37 (hg19) VCF-style: chr8-61769089-G-A.
Other names: c.1717-5699G>A (NM_001316690.1); short protein forms R2417K.
Identifiers: ClinVar variation 1391881 (VCV001391881.6), dbSNP rs776169011, ClinGen allele CA371300271.

ClinVar aggregate classification (germline): Uncertain significance (1 of 4 stars; one submission).

Conditions:
CHARGE syndrome (CHARGE). Also called: Hittner Hirsch Kreh syndrome; CHARGE ASSOCIATION--COLOBOMA, HEART ANOMALY, CHOANAL ATRESIA, RETARDATION, GENITAL AND EAR ANOMALIES; Coloboma, heart anomaly, choanal atresia, retardation, genital and ear anomalies; CHARGE association; Hall-Hittner syndrome. Identifiers: Orphanet 138, MedGen C0265354, MONDO:0008965.

gnomAD v4.1: 2 of 1,613,996 alleles (0.00012%); highest among the groups gnomAD compares: Non-Finnish European, 0.000085%; no homozygotes.

Submission:

Labcorp Genetics (formerly Invitae), Labcorp
Classification: Uncertain significance for CHARGE syndrome. Last evaluated: 2022-02-11. Review status: criteria provided, single submitter. Criteria: Invitae Variant Classification Sherloc (09022015). Collection method: clinical testing. Allele origin: germline.
Comment: This sequence change replaces arginine, which is basic and polar, with lysine, which is basic and polar, at codon 2417 of the CHD7 protein (p.Arg2417Lys). This variant is not present in population databases (gnomAD no frequency). This variant has not been reported in the literature in individuals affected with CHD7-related conditions. Advanced modeling of protein sequence and biophysical properties (such as structural, functional, and spatial information, amino acid conservation, physicochemical variation, residue mobility, and thermodynamic stability) performed at Invitae indicates that this missense variant is not expected to disrupt CHD7 protein function. In summary, the available evidence is currently insufficient to determine the role of this variant in disease. Therefore, it has been classified as a Variant of Uncertain Significance.